The following is an entry in ClinVar:

NM_001271.4(CHD2):c.4756_4757delinsGT (p.Ser1586Val)

Gene: CHD2 (chromodomain helicase DNA binding protein 2; plus strand). Cytogenetic location: 15q26.1.
Variant type: Indel.
Coding change: c.4756_4757delinsGT on transcript NM_001271.4 (MANE Select); coding-DNA positions 4756 to 4757, TC replaced by GT.
Protein change: p.Ser1586Val; replaces serine 1586 with valine.
Molecular consequence: missense variant.
Genome position (GRCh38, 1-based): chr15:93,014,759-93,014,760, TC replaced by GT. VCF-style: chr15-93014759-TC-GT. GRCh37 (hg19) VCF-style: chr15-93557989-TC-GT.
Other names: short protein forms S1586V.
Identifiers: ClinVar variation 452635 (VCV000452635.1), dbSNP rs1555445682, ClinGen allele CA658658328.

ClinVar aggregate classification (germline): Likely benign (1 of 4 stars; one submission).

Submission:

GeneDx
Classification: Likely benign. Last evaluated: 2017-11-15. Review status: criteria provided, single submitter. Criteria: GeneDx Variant Classification (06012015). Collection method: clinical testing. Allele origin: germline. Affected: yes.
Comment: This variant is considered likely benign or benign based on one or more of the following criteria: it is a conservative change, it occurs at a poorly conserved position in the protein, it is predicted to be benign by multiple in silico algorithms, and/or has population frequency not consistent with disease.